The following is an entry in ClinVar:

NM_000138.5(FBN1):c.716T>G (p.Ile239Ser)

Gene: FBN1 (fibrillin 1; minus strand). Cytogenetic location: 15q21.1.
Variant type: single nucleotide variant.
Coding change: c.716T>G on transcript NM_000138.5 (MANE Select); coding-DNA position 716, T replaced by G.
Protein change: p.Ile239Ser; replaces isoleucine 239 with serine.
Molecular consequence: missense variant.
Genome position (GRCh38, 1-based): chr15:48,537,631, A>C on the plus strand (T>G on the coding strand, the complement: FBN1 is on the minus strand). VCF-style: chr15-48537631-A-C. GRCh37 (hg19) VCF-style: chr15-48829828-A-C.
Other names: c.716T>G, p.Ile239Ser (NM_001406716.1, NM_001406717.1); short protein forms I239S.
Identifiers: ClinVar variation 3073864 (VCV003073864.1), dbSNP rs138990525, ClinGen allele CA392445817.

ClinVar aggregate classification (germline): Uncertain significance (1 of 4 stars; one submission).

Conditions:
Marfan syndrome (MFS). Also called: MARFAN SYNDROME, TYPE I; Marfan syndrome type 1; Marfan's syndrome; Marfan syndrome, classic; FBN1-Related Marfan Syndrome. Identifiers: Orphanet 284963, Orphanet 558, MedGen C0024796, MONDO:0007947, OMIM 154700.

Submission:

All of Us Research Program, National Institutes of Health
Classification: Uncertain significance for Marfan syndrome. Last evaluated: 2023-11-30. Review status: criteria provided, single submitter. Criteria: ACMG Guidelines, 2015. Collection method: clinical testing. Allele origin: germline. Inheritance: Autosomal dominant inheritance. Observed: 1 variant allele, 1 heterozygote.
Comment: This study involves interpretation of variants in research participants for the purpose of population health screening. Participant phenotype was not available at the time of variant classification. Additional details can be found in publication PMID: 35346344, PMCID: PMC8962531